The following is an entry in ClinVar:

NM_004606.5(TAF1):c.120+9G>T

Gene: TAF1 (TATA-box binding protein associated factor 1; plus strand). Cytogenetic location: Xq13.1.
Variant type: single nucleotide variant.
Coding change: c.120+9G>T on transcript NM_004606.5 (MANE Select); 9 bases into the intron after coding-DNA position 120, G replaced by T.
Molecular consequence: intron variant.
Genome position (GRCh38, 1-based): chrX:71,366,503, G>T. VCF-style: chrX-71366503-G-T. GRCh37 (hg19) VCF-style: chrX-70586353-G-T.
Other names: c.120+9G>T (NM_138923.4, NM_001440852.1, NM_001440853.1 and 2 more transcripts).
Identifiers: ClinVar variation 4535593 (VCV004535593.1).

ClinVar aggregate classification (germline): Likely benign (1 of 4 stars; one submission).

gnomAD v4.1: 2 of 1,109,076 alleles (0.00018%); highest among the groups gnomAD compares: Admixed American, 0.0028%; no homozygotes.

Submission:

Women's Health and Genetics/Laboratory Corporation of America, LabCorp
Classification: Likely benign. Last evaluated: 2025-09-11. Review status: criteria provided, single submitter. Criteria: LabCorp Variant Classification Summary - May 2015. Collection method: clinical testing. Allele origin: germline.
Comment: Variant summary: TAF1 c.120+9G>T alters a nucleotide located at a position not widely known to affect splicing. Consensus agreement among computation tools predict no significant impact on normal splicing. However, these predictions have yet to be confirmed by functional studies. The variant allele was found at a frequency of 1.8e-06 in 1109076 control chromosomes (gnomAD v4). The available data on variant occurrences in the general population are insufficient to allow any conclusion about variant significance. To our knowledge, no occurrence of c.120+9G>T in individuals affected with TAF1-related conditions and no experimental evidence demonstrating its impact on protein function have been reported. No submitters have cited clinical-significance assessments for this variant to ClinVar. Based on the evidence outlined above, the variant was classified as likely benign.